The following is an entry in ClinVar:

ClinVar aggregate classification (germline): Likely benign. Review status: criteria provided, multiple submitters, no conflicts (2 of 4 stars). 2 submissions from 2 submitters: Likely benign (2). Last evaluated 2025-08-06.

Allele frequency attached by ClinVar (database versions not stated): 1000 Genomes Project 30x 0.00156; 1000 Genomes Project 0.00200; gnomAD 0.00513; ExAC 0.00523; TOPMed 0.00539; ESP Exome Variant Server 0.00777; gnomAD exomes 0.00793.
gnomAD v4.1: 12,303 of 1,614,218 alleles (0.76%); highest among the groups gnomAD compares: Non-Finnish European, 0.95%; 54 homozygotes.

Submissions (2):

Ambry Genetics
Classification: Likely benign. Last evaluated: 2025-08-06. Review status: criteria provided, single submitter. Criteria: Ambry Variant Classification Scheme 2023. Collection method: clinical testing. Allele origin: germline.

CeGaT Center for Human Genetics Tuebingen
Classification: Likely benign. Last evaluated: 2023-03-01. Review status: criteria provided, single submitter. Criteria: CeGaT Center For Human Genetics Tuebingen Variant Classification Criteria Version 2. Collection method: clinical testing. Allele origin: germline. Affected: yes. Observed: 1 variant allele.
Comment: DMAC2: BP4, BS2

NM_018035.3(DMAC2):c.68A>G (p.His23Arg)

Gene: DMAC2 (distal membrane arm assembly component 2; minus strand). Cytogenetic location: 19q13.2.
Variant type: single nucleotide variant.
Coding change: c.68A>G on transcript NM_018035.3 (MANE Select); coding-DNA position 68, A replaced by G.
Protein change: p.His23Arg; replaces histidine 23 with arginine.
Molecular consequence: missense variant. On other transcripts: non-coding transcript variant (4).
Genome position (GRCh38, 1-based): chr19:41,438,365, T>C on the plus strand (A>G on the coding strand, the complement: DMAC2 is on the minus strand). VCF-style: chr19-41438365-T-C. GRCh37 (hg19) VCF-style: chr19-41944270-T-C.
Other names: c.86A>G, p.His29Arg (NM_001167867.2, NM_001167868.2, NM_001320839.2 and 2 more transcripts); c.68A>G, p.His23Arg (NM_001167869.2, NM_001167870.2, NM_001167871.2 and 2 more transcripts); c.68A>G (NM_018035.2); short protein forms H23R, H29R.
Identifiers: ClinVar variation 2649926 (VCV002649926.25), dbSNP rs2231939, ClinGen allele CA9462155.